The following is an entry in ClinVar:

NM_080425.4(GNAS):c.1249C>T (p.Pro417Ser)

Gene: GNAS (GNAS complex locus; plus strand). Cytogenetic location: 20q13.32.
Variant type: single nucleotide variant.
Coding change: c.1249C>T on transcript NM_080425.4 (MANE Plus Clinical); coding-DNA position 1249, C replaced by T.
Protein change: p.Pro417Ser; replaces proline 417 with serine.
Molecular consequence: missense variant. On other transcripts: synonymous variant (2), intron variant (3).
Genome position (GRCh38, 1-based): chr20:58,854,514, C>T. VCF-style: chr20-58854514-C-T. GRCh37 (hg19) VCF-style: chr20-57429569-C-T.
Other names: c.1062C>T, p.His354= (NM_001077490.3, NM_001309883.1); c.1249C>T, p.Pro417Ser (NM_001410913.1); c.*42+13628C>T (NM_016592.5); c.43+13628C>T (NM_001410912.1); c.-39+12639C>T (NM_001309861.2); short protein forms P417S.
Identifiers: ClinVar variation 4082990 (VCV004082990.1).

ClinVar aggregate classification (germline): Uncertain significance (1 of 4 stars; one submission).

Submission:

GeneDx
Classification: Uncertain significance. Last evaluated: 2025-03-14. Review status: criteria provided, single submitter. Criteria: GeneDx Variant Classification Process June 2021. Collection method: clinical testing. Allele origin: germline. Affected: yes.
Comment: Not observed at significant frequency in large population cohorts (gnomAD); In silico analysis supports that this missense variant has a deleterious effect on protein structure/function; Has not been previously published as pathogenic or benign to our knowledge; Reported using an alternate transcript of the gene